The following is an entry in ClinVar:

ClinVar aggregate classification (germline): Benign/Likely benign. Review status: criteria provided, multiple submitters, no conflicts (2 of 4 stars). 3 submissions from 3 submitters: Benign (1); Likely benign (2). Last evaluated 2026-02-01.

Allele frequency attached by ClinVar (database versions not stated): ExAC 0.00032; ESP Exome Variant Server 0.00062; TOPMed 0.00062; gnomAD 0.00077.
gnomAD v4.1: 1,379 of 1,613,806 alleles (0.085%); highest among the groups gnomAD compares: Non-Finnish European, 0.11%; 1 homozygote.

Submissions (3):

CeGaT Center for Human Genetics Tuebingen
Classification: Likely benign. Last evaluated: 2026-02-01. Review status: criteria provided, single submitter. Criteria: CeGaT Center For Human Genetics Tuebingen Variant Classification Criteria Version 2. Collection method: clinical testing. Allele origin: germline. Affected: yes. Observed: 2 variant alleles.
Comment: IRF3: BP4, BP7

Laboratory of Genetics, Children's Clinical University Hospital Latvia
Classification: Benign. Last evaluated: 2025-02-16. Review status: criteria provided, single submitter. Criteria: ACMG Guidelines, 2015. Collection method: clinical testing. Allele origin: germline. Affected: yes.

Blueprint Genetics
Classification: Likely benign. Last evaluated: 2024-11-28. Review status: criteria provided, single submitter. Criteria: ACMG Guidelines, 2015. Collection method: clinical testing. Allele origin: germline.

NM_001571.6(IRF3):c.693C>T (p.Ser231=)

Gene: IRF3 (interferon regulatory factor 3; minus strand). Cytogenetic location: 19q13.33.
Variant type: single nucleotide variant.
Coding change: c.693C>T on transcript NM_001571.6 (MANE Select); coding-DNA position 693, C replaced by T.
Protein change: p.Ser231=; no amino-acid change (serine 231 retained).
Molecular consequence: synonymous variant. On other transcripts: non-coding transcript variant (1), intron variant (3).
Genome position (GRCh38, 1-based): chr19:49,662,237, G>A on the plus strand (C>T on the coding strand, the complement: IRF3 is on the minus strand). VCF-style: chr19-49662237-G-A. GRCh37 (hg19) VCF-style: chr19-50165494-G-A.
Other names: c.693C>T, p.Ser231= (NM_001197122.2); c.588C>T, p.Ser196= (NM_001197123.2); c.255C>T, p.Ser85= (NM_001197125.2, NM_001197126.2); c.163+188C>T (NM_001197128.2, NM_001197127.2); c.601+188C>T (NM_001197124.2).
Identifiers: ClinVar variation 2650281 (VCV002650281.26), dbSNP rs145949138, ClinGen allele CA9580357.
Genomic context (GRCh38, chr19:49,662,237, plus strand): 5'-GGACATGCCAGGGTCTGGCAGTGTGACTGGCCATCCAGGCAGCGTCCTGTCTCCCACTTC[G>A]GACCCCACCAGCCGCAGGCCCTCCGGGCAGGAGATGGTCTGCTGGAAGACTTGGCGGCCC-3'
Protein context (NP_001562.1, residues 221-241): SCPEGLRLVG[Ser231=]EVGDRTLPGW